The following is an entry in ClinVar:

ClinVar aggregate classification (germline): Uncertain significance (1 of 4 stars; one submission).

Submission:

GeneDx
Classification: Uncertain significance. Last evaluated: 2020-01-24. Review status: criteria provided, single submitter. Criteria: GeneDx Variant Classification Process June 2021. Collection method: clinical testing. Allele origin: germline. Affected: yes.
Comment: Not observed in large population cohorts (Lek et al., 2016); In silico analysis, which includes protein predictors and evolutionary conservation, supports that this variant does not alter protein structure/function; Has not been previously published as pathogenic or benign to our knowledge

NM_017617.5(NOTCH1):c.5513C>T (p.Thr1838Ile)

Gene: NOTCH1 (notch receptor 1; minus strand). Cytogenetic location: 9q34.3.
Variant type: single nucleotide variant.
Coding change: c.5513C>T on transcript NM_017617.5 (MANE Select); coding-DNA position 5513, C replaced by T.
Protein change: p.Thr1838Ile; replaces threonine 1838 with isoleucine.
Molecular consequence: missense variant.
Genome position (GRCh38, 1-based): chr9:136,501,873, G>A on the plus strand (C>T on the coding strand, the complement: NOTCH1 is on the minus strand). VCF-style: chr9-136501873-G-A. GRCh37 (hg19) VCF-style: chr9-139396325-G-A.
Other names: short protein forms T1838I.
Identifiers: ClinVar variation 1303686 (VCV001303686.2), dbSNP rs1162527050, ClinGen allele CA375639342.